The following is an entry in ClinVar:

NM_014249.4(NR2E3):c.724_725del (p.Ser242fs)

Gene: NR2E3 (nuclear receptor subfamily 2 group E member 3; plus strand). Cytogenetic location: 15q23.
Variant type: Microsatellite.
Coding change: c.724_725del on transcript NM_014249.4 (MANE Select); coding-DNA positions 724 to 725, 2 bases deleted (TC; older notation c.724_725delTC).
Protein change: p.Ser242fs; shifts the reading frame from serine 242.
Molecular consequence: frameshift variant.
Genome position (GRCh38, 1-based): chr15:71,812,488-71,812,489, TC deleted; deleting any 2 consecutive bases within chr15:71,812,486-71,812,489 gives the same sequence; the c. name uses the placement nearest the transcript's 3' end. VCF-style (leftmost placement, unchanged base first): chr15-71812485-TTC-T. GRCh37 (hg19) VCF-style: chr15-72104825-TTC-T.
Other names: c.724_725del, p.Ser242fs (NM_016346.4); c.724_725delTC (NM_014249.3); short protein forms S242fs.
Identifiers: ClinVar variation 560471 (VCV000560471.15), dbSNP rs750740765, ClinGen allele CA7640378.

ClinVar aggregate classification (germline): Pathogenic/Likely pathogenic. Review status: criteria provided, multiple submitters, no conflicts (2 of 4 stars). 7 submissions from 7 submitters: Pathogenic (5); Likely pathogenic (1). 1 of the submissions does not count toward it. Last evaluated 2025-12-10.

Conditions:
Retinal dystrophy. Also called: Inherited retinal dystrophy. Identifiers: Orphanet 71862, MedGen C0854723, MeSH D058499, MONDO:0019118, HP:0000556.
Retinitis pigmentosa 37 (RP37). Identifiers: Orphanet 791, MedGen C1970163, MONDO:0012625, OMIM 611131.
Enhanced S-cone syndrome (ESCS). Identifiers: Orphanet 53540, MedGen C1849394, MONDO:0100288, MONDO:0009989.
Cone-rod dystrophy. Also called: Cone-rod degeneration; Cone/cone-rod dystrophy. Identifiers: Orphanet 1872, MedGen C4085590, MONDO:0015993, HP:0000548.
NR2E3-related disorder. Also called: NR2E3-related disorders; NR2E3-related condition. Identifiers: MedGen CN239387.

Submissions (7):

Natera, Inc.
Classification: Pathogenic for Enhanced S cone syndrome. Last evaluated: 2025-12-10. Review status: criteria provided, single submitter. Criteria: Natera Variant Classification Schema (03/2026). Collection method: clinical testing. Allele origin: germline.
Comment: The c.724_725delTC variant in NR2E3 is a frameshift variant predicted to shift the reading frame beginning at codon 242 and leads to a stop codon 17 codons downstream. This variant is expected to result in nonsense mediated decay, truncation, or a dysfunctional protein product. This variant is rare in the general population with a frequency below the threshold expected for the associated phenotype(s). This variant has been observed in one or more individuals affected with the associated recessive disease, as either homozygous or compound heterozygous with a second variant (PMID: 21217109). Given the available evidence, this variant is classified as Pathogenic.

Fulgent Genetics
Classification: Pathogenic for ENHANCED S-CONE SYNDROME 1; Retinitis pigmentosa 37. Last evaluated: 2024-03-18. Review status: criteria provided, single submitter. Criteria: ACMG Guidelines, 2015. Collection method: clinical testing. Allele origin: germline.

Labcorp Genetics (formerly Invitae), Labcorp
Classification: Pathogenic. Last evaluated: 2024-03-10. Review status: criteria provided, single submitter. Criteria: Invitae Variant Classification Sherloc (09022015). Collection method: clinical testing. Allele origin: germline.
Comment: This sequence change creates a premature translational stop signal (p.Ser242Glnfs*17) in the NR2E3 gene. It is expected to result in an absent or disrupted protein product. Loss-of-function variants in NR2E3 are known to be pathogenic (PMID: 15459973, 27522502). This variant is present in population databases (rs750740765, gnomAD 0.003%). This premature translational stop signal has been observed in individuals with autosomal recessive NR2E3-related conditions (PMID: 21217109, 23591405, 28224992). For these reasons, this variant has been classified as Pathogenic.

Baylor Genetics
Classification: Pathogenic for ENHANCED S-CONE SYNDROME 1. Last evaluated: 2023-08-21. Review status: criteria provided, single submitter. Criteria: ACMG Guidelines, 2015. Collection method: clinical testing. Allele origin: unknown.

Institute of Human Genetics, Univ. Regensburg, Univ. Regensburg
Classification: Pathogenic for Retinal dystrophy. Last evaluated: 2022-01-01. Review status: criteria provided, single submitter. Criteria: ACMG Guidelines, 2015. Collection method: clinical testing. Allele origin: germline. Affected: yes.

Blueprint Genetics
Classification: Likely pathogenic for NR2E3-related disorders. Last evaluated: 2020-10-09. Review status: criteria provided, single submitter. Criteria: ACMG Guidelines, 2015. Collection method: clinical testing. Allele origin: germline. Affected: yes. Observed: 1 variant allele.

Joint Genome Diagnostic Labs from Nijmegen and Maastricht, Radboudumc and MUMC+
Classification: Pathogenic for Cone-rod dystrophy. Last evaluated: 2016-09-01. Review status: no assertion criteria provided. Collection method: clinical testing. Allele origin: inherited. Affected: yes. Observed: 1 variant allele. Not counted in ClinVar's aggregate classification.

Literature cited by the submitters: PubMed 21217109 (cited by 3 submitters); PubMed 15459973 (cited by Labcorp Genetics (formerly Invitae), Labcorp); PubMed 27522502 (cited by Labcorp Genetics (formerly Invitae), Labcorp); PubMed 23591405 (cited by Labcorp Genetics (formerly Invitae), Labcorp and Institute of Human Genetics, Univ. Regensburg, Univ. Regensburg); PubMed 28224992 (cited by Labcorp Genetics (formerly Invitae), Labcorp and Institute of Human Genetics, Univ. Regensburg, Univ. Regensburg); PubMed 33004838 (cited by Institute of Human Genetics, Univ. Regensburg, Univ. Regensburg).